The following is an entry in ClinVar:

ClinVar aggregate classification (germline): Uncertain significance. Review status: criteria provided, single submitter (1 of 4 stars). 2 submissions from 2 submitters: Uncertain significance (1). 1 of the submissions does not count toward it. Last evaluated 2025-07-31.

Conditions:
CSMD1-related disorder. Also called: CSMD1-related condition.

Allele frequency attached by ClinVar (database versions not stated): ExAC 0.00017; ESP Exome Variant Server 0.00032; 1000 Genomes Project 0.00040; gnomAD 0.00044; 1000 Genomes Project 30x 0.00047; TOPMed 0.00052.
gnomAD v4.1: 150 of 1,613,512 alleles (0.0093%); highest among the groups gnomAD compares: African/African-American, 0.18%; no homozygotes.

Submissions (2):

Ambry Genetics
Classification: Uncertain significance. Last evaluated: 2025-07-31. Review status: criteria provided, single submitter. Criteria: Ambry Variant Classification Scheme 2023. Collection method: clinical testing. Allele origin: germline.

PreventionGenetics, part of Exact Sciences
Classification: Likely benign for CSMD1-related condition. Last evaluated: 2022-07-21. Review status: no assertion criteria provided. Collection method: clinical testing. Allele origin: germline. Not counted in ClinVar's aggregate classification.
Comment: This variant is classified as likely benign based on ACMG/AMP sequence variant interpretation guidelines (Richards et al. 2015 PMID: 25741868, with internal and published modifications).

NM_033225.6(CSMD1):c.3851C>T (p.Ala1284Val)

Gene: CSMD1 (CUB and Sushi multiple domains 1; minus strand). Cytogenetic location: 8p23.2.
Variant type: single nucleotide variant.
Coding change: c.3851C>T on transcript NM_033225.6 (MANE Select); coding-DNA position 3851, C replaced by T.
Protein change: p.Ala1284Val; replaces alanine 1284 with valine.
Molecular consequence: missense variant.
Genome position (GRCh38, 1-based): chr8:3,307,794, G>A on the plus strand (C>T on the coding strand, the complement: CSMD1 is on the minus strand). VCF-style: chr8-3307794-G-A. GRCh37 (hg19) VCF-style: chr8-3165316-G-A.
Other names: short protein forms A1284V.
Identifiers: ClinVar variation 3036153 (VCV003036153.3), dbSNP rs369161704, ClinGen allele CA4607605.